The following is an entry in ClinVar:

ClinVar aggregate classification (germline): Pathogenic/Likely pathogenic. Review status: criteria provided, multiple submitters, no conflicts (2 of 4 stars). 3 submissions from 3 submitters: Pathogenic (1); Likely pathogenic (2). Last evaluated 2025-09-16.

Conditions:
Autosomal recessive osteopetrosis 1. Also called: ALBERS-SCHONBERG DISEASE, AUTOSOMAL RECESSIVE; TCIRG1-Related Autosomal Recessive Osteopetrosis; TCIRG1-Related Osteopetrosis. Identifiers: Orphanet 667, MedGen C1850127, MONDO:0009815, OMIM 259700.

Submissions (3):

Mayo Clinic Laboratories, Mayo Clinic
Classification: Likely pathogenic. Last evaluated: 2025-09-16. Review status: criteria provided, single submitter. Criteria: ACMG Guidelines, 2015. Collection method: clinical testing. Allele origin: germline. Observed: 1 variant allele.
Comment: PM2_supporting, PVS1

Baylor Genetics
Classification: Likely pathogenic for Autosomal recessive osteopetrosis 1. Last evaluated: 2024-03-20. Review status: criteria provided, single submitter. Criteria: ACMG Guidelines, 2015. Collection method: clinical testing. Allele origin: unknown.

Labcorp Genetics (formerly Invitae), Labcorp
Classification: Pathogenic. Last evaluated: 2020-03-14. Review status: criteria provided, single submitter. Criteria: Invitae Variant Classification Sherloc (09022015). Collection method: clinical testing. Allele origin: germline.
Comment: For these reasons, this variant has been classified as Pathogenic. Loss-of-function variants in TCIRG1 are known to be pathogenic (PMID: 10888887, 10942435, 11532986, 19448635). This variant has not been reported in the literature in individuals with TCIRG1-related conditions. This variant is not present in population databases (ExAC no frequency). This sequence change creates a premature translational stop signal (p.Glu150Glyfs*15) in the TCIRG1 gene. It is expected to result in an absent or disrupted protein product.

Literature cited by the submitters: PubMed 10888887 (cited by Labcorp Genetics (formerly Invitae), Labcorp); PubMed 10942435 (cited by Labcorp Genetics (formerly Invitae), Labcorp); PubMed 11532986 (cited by Labcorp Genetics (formerly Invitae), Labcorp); PubMed 19448635 (cited by Labcorp Genetics (formerly Invitae), Labcorp).

NM_006019.4(TCIRG1):c.449_452del (p.Glu150fs)

Gene: TCIRG1 (T cell immune regulator 1, ATPase H+ transporting V0 subunit a3; plus strand). Cytogenetic location: 11q13.2.
Variant type: Microsatellite.
Coding change: c.449_452del on transcript NM_006019.4 (MANE Select); coding-DNA positions 449 to 452, 4 bases deleted (AGAG; older notation c.449_452delAGAG).
Protein change: p.Glu150fs; shifts the reading frame from glutamic acid 150.
Molecular consequence: frameshift variant. On other transcripts: 5 prime UTR variant (1).
Genome position (GRCh38, 1-based): chr11:68,042,977-68,042,980, AGAG deleted; deleting any 4 consecutive bases within chr11:68,042,975-68,042,980 gives the same sequence; the c. name uses the placement nearest the transcript's 3' end. VCF-style (leftmost placement, unchanged base first): chr11-68042974-CAGAG-C. GRCh37 (hg19) VCF-style: chr11-67810441-CAGAG-C.
Other names: p.Glu150Glyfs*15; c.-803AG[1] (NM_001351059.2); short protein forms E150fs.
Identifiers: ClinVar variation 1070231 (VCV001070231.9), dbSNP rs2134436277, ClinGen allele CA2580615740.